The following is an entry in ClinVar:

ClinVar aggregate classification (germline): Uncertain significance (1 of 4 stars; one submission).

Submission:

Labcorp Genetics (formerly Invitae), Labcorp
Classification: Uncertain significance. Last evaluated: 2024-08-29. Review status: criteria provided, single submitter. Criteria: Invitae Variant Classification Sherloc (09022015). Collection method: clinical testing. Allele origin: germline.
Comment: This sequence change replaces isoleucine, which is neutral and non-polar, with threonine, which is neutral and polar, at codon 403 of the SAMD9L protein (p.Ile403Thr). This variant is not present in population databases (gnomAD no frequency). This variant has not been reported in the literature in individuals affected with SAMD9L-related conditions. Invitae Evidence Modeling of protein sequence and biophysical properties (such as structural, functional, and spatial information, amino acid conservation, physicochemical variation, residue mobility, and thermodynamic stability) indicates that this missense variant is not expected to disrupt SAMD9L protein function with a negative predictive value of 80%. In summary, the available evidence is currently insufficient to determine the role of this variant in disease. Therefore, it has been classified as a Variant of Uncertain Significance.

NM_152703.5(SAMD9L):c.1208T>C (p.Ile403Thr)

Gene: SAMD9L (sterile alpha motif domain containing 9 like; minus strand). Cytogenetic location: 7q21.2.
Variant type: single nucleotide variant.
Coding change: c.1208T>C on transcript NM_152703.5 (MANE Select); coding-DNA position 1208, T replaced by C.
Protein change: p.Ile403Thr; replaces isoleucine 403 with threonine.
Molecular consequence: missense variant.
Genome position (GRCh38, 1-based): chr7:93,134,764, A>G on the plus strand (T>C on the coding strand, the complement: SAMD9L is on the minus strand). VCF-style: chr7-93134764-A-G. GRCh37 (hg19) VCF-style: chr7-92764077-A-G.
Other names: c.1208T>C, p.Ile403Thr (NM_001303496.3, NM_001303497.3, NM_001303498.3 and 5 more transcripts); short protein forms I403T.
Identifiers: ClinVar variation 3691393 (VCV003691393.2).